The following is an entry in ClinVar:

NM_152594.3(SPRED1):c.565C>A (p.Gln189Lys)

Gene: SPRED1 (sprouty related EVH1 domain containing 1; plus strand). Cytogenetic location: 15q14.
Variant type: single nucleotide variant.
Coding change: c.565C>A on transcript NM_152594.3 (MANE Select); coding-DNA position 565, C replaced by A.
Protein change: p.Gln189Lys; replaces glutamine 189 with lysine.
Molecular consequence: missense variant.
Genome position (GRCh38, 1-based): chr15:38,339,878, C>A. VCF-style: chr15-38339878-C-A. GRCh37 (hg19) VCF-style: chr15-38632079-C-A.
Other names: short protein forms Q189K.
Identifiers: ClinVar variation 315734 (VCV000315734.6), dbSNP rs200142785, ClinGen allele CA10635889.
Genomic context (GRCh38, chr15:38,339,878, plus strand): 5'-AGAAGCTCAAATATAAGACCTTCTCCCTTTGAAGATCTGAATGCCAGAAGAGTCTACATG[C>A]AAAGCCAAGCCAATCAGGTAAGAAGATAAAATATTTTTTCGGCGCGTTGTTTATATGTGT-3'
Protein context (NP_689807.1, residues 179-199): EDLNARRVYM[Gln189Lys]SQANQITFGQ

ClinVar aggregate classification (germline): Uncertain significance. Review status: criteria provided, multiple submitters, no conflicts (2 of 4 stars). 2 submissions from 2 submitters: Uncertain significance (2). Last evaluated 2025-01-18.

Conditions:
Cardiovascular phenotype. Identifiers: MedGen CN230736.
Legius syndrome. Identifiers: Orphanet 137605, MedGen C1969623, MONDO:0012669, OMIM 611431. Disease mechanism: loss of function.

Allele frequency attached by ClinVar (database versions not stated): gnomAD exomes below 0.00001; TOPMed below 0.00001.
gnomAD v4.1: 1 of 1,613,830 alleles (0.000062%); highest among the groups gnomAD compares: Non-Finnish European, 0.000085%; no homozygotes.

Submissions (2):

Ambry Genetics
Classification: Uncertain significance for Cardiovascular phenotype. Last evaluated: 2025-01-18. Review status: criteria provided, single submitter. Criteria: Ambry Variant Classification Scheme 2023. Collection method: clinical testing. Allele origin: germline.
Comment: The p.Q189K variant (also known as c.565C>A), located in coding exon 5 of the SPRED1 gene, results from a C to A substitution at nucleotide position 565. The glutamine at codon 189 is replaced by lysine, an amino acid with similar properties. This amino acid position is conserved. In addition, this alteration is predicted to be tolerated by in silico analysis. Based on the available evidence, the clinical significance of this variant remains unclear.

Illumina Laboratory Services, Illumina
Classification: Uncertain significance for Legius syndrome. Last evaluated: 2018-01-12. Review status: criteria provided, single submitter. Criteria: ICSL Variant Classification Criteria 13 December 2019. Collection method: clinical testing. Allele origin: germline.